The following is an entry in ClinVar:

NM_005859.5(PURA):c.211A>G (p.Lys71Glu)

Gene: PURA (purine rich element binding protein A; plus strand). Cytogenetic location: 5q31.3.
Variant type: single nucleotide variant.
Coding change: c.211A>G on transcript NM_005859.5 (MANE Select); coding-DNA position 211, A replaced by G.
Protein change: p.Lys71Glu; replaces lysine 71 with glutamic acid.
Molecular consequence: missense variant.
Genome position (GRCh38, 1-based): chr5:140,114,392, A>G. VCF-style: chr5-140114392-A-G. GRCh37 (hg19) VCF-style: chr5-139493977-A-G.
Other names: short protein forms K71E.
Identifiers: ClinVar variation 1215278 (VCV001215278.3), dbSNP rs2126748823, ClinGen allele CA361490121.

ClinVar aggregate classification (germline): Likely pathogenic (1 of 4 stars; one submission).

Submission:

GeneDx
Classification: Likely pathogenic. Last evaluated: 2021-01-26. Review status: criteria provided, single submitter. Criteria: GeneDx Variant Classification Process June 2021. Collection method: clinical testing. Allele origin: germline. Affected: yes.
Comment: Not observed in large population cohorts (Lek et al., 2016); In silico analysis supports that this missense variant has a deleterious effect on protein structure/function; Has not been previously published as pathogenic or benign to our knowledge